The following is an entry in ClinVar:

NM_003002.4(SDHD):c.325C>T (p.Gln109Ter)

Gene: SDHD (succinate dehydrogenase complex subunit D; plus strand). Cytogenetic location: 11q23.1.
Variant type: single nucleotide variant.
Coding change: c.325C>T on transcript NM_003002.4 (MANE Select); coding-DNA position 325, C replaced by T.
Protein change: p.Gln109Ter; replaces glutamine 109 with a stop codon.
Molecular consequence: nonsense. On other transcripts: synonymous variant (1), 3 prime UTR variant (1), non-coding transcript variant (1).
Genome position (GRCh38, 1-based): chr11:112,094,815, C>T. VCF-style: chr11-112094815-C-T. GRCh37 (hg19) VCF-style: chr11-111965539-C-T.
Other names: c.180C>T, p.Asp60= (NM_001276503.2); c.208C>T, p.Gln70Ter (NM_001276504.2); c.*23C>T (NM_001276506.2); short protein forms Q109*, Q70*.
Identifiers: ClinVar variation 412498 (VCV000412498.17), dbSNP rs1060503770, ClinGen allele CA16613252.

ClinVar aggregate classification (germline): Pathogenic. Review status: criteria provided, multiple submitters, no conflicts (2 of 4 stars). 2 submissions from 2 submitters: Pathogenic (2). Last evaluated 2026-01-01.

Conditions:
Pheochromocytoma. Also called: MAX-Related Hereditary Paraganglioma-Pheochromocytoma Syndrome. Identifiers: Orphanet 29072, MedGen C0031511, MONDO:0008233, OMIM 171300, HP:0002666.
Carney-Stratakis syndrome. Also called: PARAGANGLIOMA AND GASTROINTESTINAL STROMAL TUMOR. Identifiers: Orphanet 97286, MedGen C1847319, MONDO:0011740, OMIM 606864.
Paragangliomas with sensorineural hearing loss. Identifiers: MedGen C1868633.
Cowden syndrome 3 (CWS3). Identifiers: Orphanet 201, MedGen CN166604, MONDO:0014045.
Hereditary cancer-predisposing syndrome. Also called: Neoplastic Syndromes, Hereditary; Tumor predisposition; Hereditary Cancer Syndrome; Hereditary neoplastic syndrome. Identifiers: Orphanet 140162, MedGen C0027672, MeSH D009386, MONDO:0015356.

Submissions (2):

Labcorp Genetics (formerly Invitae), Labcorp
Classification: Pathogenic for Carney-Stratakis syndrome; Paragangliomas with sensorineural hearing loss; Pheochromocytoma; Cowden syndrome 3. Last evaluated: 2026-01-01. Review status: criteria provided, single submitter. Criteria: Invitae Variant Classification Sherloc (09022015). Collection method: clinical testing. Allele origin: germline.
Comment: This sequence change creates a premature translational stop signal (p.Gln109*) in the SDHD gene. While this is not anticipated to result in nonsense mediated decay, it is expected to disrupt the last 51 amino acid(s) of the SDHD protein. This variant is not present in population databases (gnomAD no frequency). This premature translational stop signal has been observed in individual(s) with pheochromocytomas (PCC) or paragangliomas (PGL) (PMID: 11897817, 19454582, 25720320, 30050099). ClinVar contains an entry for this variant (Variation ID: 412498). Algorithms developed to predict the effect of sequence changes on RNA splicing suggest that this variant may disrupt the consensus splice site. This variant disrupts a region of the SDHD protein in which other variant(s) (p.Leu139Pro) have been determined to be pathogenic (PMID: 11391798, 21348866). This suggests that this is a clinically significant region of the protein, and that variants that disrupt it are likely to be disease-causing. For these reasons, this variant has been classified as Pathogenic.

Ambry Genetics
Classification: Pathogenic for Hereditary cancer-predisposing syndrome. Last evaluated: 2025-09-22. Review status: criteria provided, single submitter. Criteria: Ambry Variant Classification Scheme 2023. Collection method: clinical testing. Allele origin: germline.
Comment: The p.Q109* pathogenic mutation (also known as c.325C>T), located in coding exon 4 of the SDHD gene, results from a C to T substitution at nucleotide position 325. This changes the amino acid from a glutamine to a stop codon within coding exon 4. This alteration occurs at the 3' terminus of the gene, is not expected to trigger nonsense-mediated mRNA decay, and impacts the last 32%/ 51 amino acids of the protein and the impacted region is critical for protein function (Ambry internal data). However, premature stop codons are typically deleterious in nature. This variant was reported in individual(s) with features consistent with SDHD-related hereditary pheochromocytoma-paraganglioma (Amodru et al. Head Neck. 2019;41(6):1565-1571; Baysal et al. J Med Genet. 2002;39(3):178-183; Korkmaz et al. Acta Endocrinol (Buchar). 2020;16(2):232-235; Piccini et al. Endocr Relat Cancer. 2012;19(2):149-155; Richter et al. Genet Med. 2019;21(3):705-717; Santi et al. Anticancer Res. 2017;37(2):805-812; Ambry internal data). This variant is considered to be rare based on population cohorts in the Genome Aggregation Database (gnomAD). This alteration is expected to result in loss of function by premature protein truncation or nonsense-mediated mRNA decay. As such, this alteration is interpreted as a disease-causing mutation.

Literature cited by the submitters: PubMed 11897817 (cited by Labcorp Genetics (formerly Invitae), Labcorp); PubMed 19454582 (cited by Labcorp Genetics (formerly Invitae), Labcorp); PubMed 25720320 (cited by Labcorp Genetics (formerly Invitae), Labcorp and Ambry Genetics); PubMed 30050099 (cited by Labcorp Genetics (formerly Invitae), Labcorp); PubMed 11391798 (cited by Labcorp Genetics (formerly Invitae), Labcorp); PubMed 21348866 (cited by Labcorp Genetics (formerly Invitae), Labcorp).